The following is an entry in ClinVar:

ClinVar aggregate classification (germline): Uncertain significance. Review status: criteria provided, multiple submitters, no conflicts (2 of 4 stars). 3 submissions from 3 submitters: Uncertain significance (3). Last evaluated 2024-11-26.

Conditions:
Myofibrillar myopathy 5. Also called: FILAMINOPATHY, AUTOSOMAL DOMINANT; Filaminopathy (type). Identifiers: Orphanet 171445, MedGen C1836050, MONDO:0012289, OMIM 609524.
Hypertrophic cardiomyopathy 26. Also called: Cardiomyopathy, familial hypertrophic, 26. Identifiers: Orphanet 75249, MedGen C4310749, MONDO:0014883, OMIM 617047.
Distal myopathy with posterior leg and anterior hand involvement. Also called: WILLIAMS DISTAL MYOPATHY. Identifiers: Orphanet 63273, MedGen C3279722, MONDO:0013550, OMIM 614065.

Submissions (3):

GeneDx
Classification: Uncertain significance. Last evaluated: 2024-11-26. Review status: criteria provided, single submitter. Criteria: GeneDx Variant Classification Process June 2021. Collection method: clinical testing. Allele origin: germline. Affected: yes.
Comment: Not observed at significant frequency in large population cohorts (gnomAD); In silico analysis indicates that this missense variant does not alter protein structure/function; Has not been previously published as pathogenic or benign to our knowledge

Labcorp Genetics (formerly Invitae), Labcorp
Classification: Uncertain significance for Distal myopathy with posterior leg and anterior hand involvement; Myofibrillar myopathy 5; Hypertrophic cardiomyopathy 26. Last evaluated: 2022-07-05. Review status: criteria provided, single submitter. Criteria: Invitae Variant Classification Sherloc (09022015). Collection method: clinical testing. Allele origin: germline.
Comment: This sequence change replaces glutamic acid, which is acidic and polar, with glutamine, which is neutral and polar, at codon 534 of the FLNC protein (p.Glu534Gln). This variant is not present in population databases (gnomAD no frequency). This variant has not been reported in the literature in individuals affected with FLNC-related conditions. ClinVar contains an entry for this variant (Variation ID: 1430109). Algorithms developed to predict the effect of missense changes on protein structure and function are either unavailable or do not agree on the potential impact of this missense change (SIFT: "Tolerated"; PolyPhen-2: "Possibly Damaging"; Align-GVGD: "Class C0"). In summary, the available evidence is currently insufficient to determine the role of this variant in disease. Therefore, it has been classified as a Variant of Uncertain Significance.

Fulgent Genetics
Classification: Uncertain significance for Myofibrillar myopathy 5; Distal myopathy with posterior leg and anterior hand involvement; Hypertrophic cardiomyopathy 26. Last evaluated: 2021-08-24. Review status: criteria provided, single submitter. Criteria: ACMG Guidelines, 2015. Collection method: clinical testing. Allele origin: unknown.

NM_001458.5(FLNC):c.1600G>C (p.Glu534Gln)

Gene: FLNC (filamin C; plus strand). Cytogenetic location: 7q32.1.
Variant type: single nucleotide variant.
Coding change: c.1600G>C on transcript NM_001458.5 (MANE Select); coding-DNA position 1600, G replaced by C.
Protein change: p.Glu534Gln; replaces glutamic acid 534 with glutamine.
Molecular consequence: missense variant.
Genome position (GRCh38, 1-based): chr7:128,840,598, G>C. VCF-style: chr7-128840598-G-C. GRCh37 (hg19) VCF-style: chr7-128480652-G-C.
Other names: c.1600G>C, p.Glu534Gln (NM_001127487.2); c.1600G>C (NM_001458.4); short protein forms E534Q.
Identifiers: ClinVar variation 1430109 (VCV001430109.10), dbSNP rs201905890, ClinGen allele CA369226583.
Genomic context (GRCh38, chr7:128,840,598, plus strand): 5'-ATCTCCTCAGAGGGCACAGAGGAGCCAGTGAAGGTGCGGGAGGCTGGGGATGGTGTGTTC[G>C]AGTGCGAGTACTACCCGGTGGTGCCTGGGAAGTATGTGGTGACCATCACGTGGGGCGGCT-3'
Protein context (NP_001449.3, residues 524-544): KVREAGDGVF[Glu534Gln]CEYYPVVPGK